The following is an entry in ClinVar:

ClinVar aggregate classification (germline): Uncertain significance (1 of 4 stars; one submission).

Conditions:
Inborn genetic diseases. Identifiers: MedGen C0950123, MeSH D030342.

Submission:

Ambry Genetics
Classification: Uncertain significance for Inborn genetic diseases. Last evaluated: 2025-08-02. Review status: criteria provided, single submitter. Criteria: Ambry Variant Classification Scheme 2023. Collection method: clinical testing. Allele origin: germline.
Comment: The p.K117R variant (also known as c.350A>G), located in coding exon 3 of the MBD4 gene, results from an A to G substitution at nucleotide position 350. The lysine at codon 117 is replaced by arginine, an amino acid with highly similar properties. This amino acid position is conserved. In addition, the in silico prediction for this alteration is inconclusive. Based on the available evidence, the clinical significance of this variant remains unclear.

NM_001276270.2(MBD4):c.350A>G (p.Lys117Arg)

Gene: MBD4 (methyl-CpG binding domain 4, DNA glycosylase; minus strand). Cytogenetic location: 3q21.3.
Variant type: single nucleotide variant.
Coding change: c.350A>G on transcript NM_001276270.2 (MANE Select); coding-DNA position 350, A replaced by G.
Protein change: p.Lys117Arg; replaces lysine 117 with arginine.
Molecular consequence: missense variant. On other transcripts: intron variant (1).
Genome position (GRCh38, 1-based): chr3:129,437,294, T>C on the plus strand (A>G on the coding strand, the complement: MBD4 is on the minus strand). VCF-style: chr3-129437294-T-C. GRCh37 (hg19) VCF-style: chr3-129156137-T-C.
Other names: c.350A>G, p.Lys117Arg (NM_001276271.2, NM_001276272.2, NM_003925.3); c.247+514A>G (NM_001276273.2); short protein forms K117R.
Identifiers: ClinVar variation 4104636 (VCV004104636.1).
Genomic context (GRCh38, chr3:129,437,294, plus strand): 5'-TTAAGAGAAGTCTCTCCATTTTTGTGAAGATAATTAGCAAGTGAACTTTTGGATCTGAAC[T>C]TCAGTCCTTGTGGGCTAGAAAATGATATTAAAGGAAACTTACTGCTAGTAAATAGAAGGG-3'
Protein context (NP_001263199.1, residues 107-127): DVYFISPQGL[Lys117Arg]FRSKSSLANY